The following is an entry in ClinVar:

NM_001083926.2(ASRGL1):c.353C>T (p.Thr118Ile)

Gene: ASRGL1 (asparaginase and isoaspartyl peptidase 1; plus strand). Cytogenetic location: 11q12.3.
Variant type: single nucleotide variant.
Coding change: c.353C>T on transcript NM_001083926.2 (MANE Select); coding-DNA position 353, C replaced by T.
Protein change: p.Thr118Ile; replaces threonine 118 with isoleucine.
Molecular consequence: missense variant.
Genome position (GRCh38, 1-based): chr11:62,357,006, C>T. VCF-style: chr11-62357006-C-T. GRCh37 (hg19) VCF-style: chr11-62124478-C-T.
Other names: c.353C>T, p.Thr118Ile (NM_001441216.1, NM_001441217.1, NM_025080.4); short protein forms T118I.
Identifiers: ClinVar variation 4724739 (VCV004724739.1).
Genomic context (GRCh38, chr11:62,357,006, plus strand): 5'-TTTCAAAAAAACAATCATTTTCTCTTTTCTTTCTGGCTCAGACACCTCATTGCTTTCTGA[C>T]TGACCAAGGCGCAGCGCAGTTTGCAGCAGCTATGGGGGTTCCAGAGATTCCTGGAGAAAA-3'
Protein context (NP_001077395.1, residues 108-128): VMEKTPHCFL[Thr118Ile]DQGAAQFAAA

ClinVar aggregate classification (germline): Uncertain significance (1 of 4 stars; one submission).

Submission:

Labcorp Genetics (formerly Invitae), Labcorp
Classification: Uncertain significance. Last evaluated: 2025-12-21. Review status: criteria provided, single submitter. Criteria: Invitae Variant Classification Sherloc (09022015). Collection method: clinical testing. Allele origin: germline.
Comment: This sequence change replaces threonine, which is neutral and polar, with isoleucine, which is neutral and non-polar, at codon 118 of the ASRGL1 protein (p.Thr118Ile). This variant is not present in population databases (gnomAD no frequency). This variant has not been reported in the literature in individuals affected with ASRGL1-related conditions. An algorithm developed to predict the effect of missense changes on protein structure and function (PolyPhen-2) suggests that this variant is likely to be disruptive. In summary, the available evidence is currently insufficient to determine the role of this variant in disease. Therefore, it has been classified as a Variant of Uncertain Significance.